The following is an entry in ClinVar:

ClinVar aggregate classification (germline): Uncertain significance (1 of 4 stars; one submission).

Submission:

Labcorp Genetics (formerly Invitae), Labcorp
Classification: Uncertain significance. Last evaluated: 2024-04-29. Review status: criteria provided, single submitter. Criteria: Invitae Variant Classification Sherloc (09022015). Collection method: clinical testing. Allele origin: germline.
Comment: This sequence change replaces arginine, which is basic and polar, with lysine, which is basic and polar, at codon 528 of the TGM6 protein (p.Arg528Lys). This variant is present in population databases (rs753907529, gnomAD 0.02%). This variant has not been reported in the literature in individuals affected with TGM6-related conditions. Advanced modeling of protein sequence and biophysical properties (such as structural, functional, and spatial information, amino acid conservation, physicochemical variation, residue mobility, and thermodynamic stability) performed at Invitae indicates that this missense variant is not expected to disrupt TGM6 protein function with a negative predictive value of 95%. In summary, the available evidence is currently insufficient to determine the role of this variant in disease. Therefore, it has been classified as a Variant of Uncertain Significance.

NM_198994.3(TGM6):c.1583G>A (p.Arg528Lys)

Gene: TGM6 (transglutaminase 6; plus strand). Cytogenetic location: 20p13.
Variant type: single nucleotide variant.
Coding change: c.1583G>A on transcript NM_198994.3 (MANE Select); coding-DNA position 1583, G replaced by A.
Protein change: p.Arg528Lys; replaces arginine 528 with lysine.
Molecular consequence: missense variant.
Genome position (GRCh38, 1-based): chr20:2,417,478, G>A. VCF-style: chr20-2417478-G-A. GRCh37 (hg19) VCF-style: chr20-2398124-G-A.
Other names: c.1583G>A, p.Arg528Lys (NM_001254734.2); short protein forms R528K.
Identifiers: ClinVar variation 3637867 (VCV003637867.2).